The following is an entry in ClinVar:

NM_006206.6(PDGFRA):c.2190C>A (p.Asp730Glu)

Gene: PDGFRA (platelet derived growth factor receptor alpha; plus strand). Cytogenetic location: 4q12.
Variant type: single nucleotide variant.
Coding change: c.2190C>A on transcript NM_006206.6 (MANE Select); coding-DNA position 2190, C replaced by A.
Protein change: p.Asp730Glu; replaces aspartic acid 730 with glutamic acid.
Molecular consequence: missense variant.
Genome position (GRCh38, 1-based): chr4:54,280,349, C>A. VCF-style: chr4-54280349-C-A. GRCh37 (hg19) VCF-style: chr4-55146516-C-A.
Other names: c.2190C>A, p.Asp730Glu (NM_001347827.2, NM_001347829.2); c.2265C>A, p.Asp755Glu (NM_001347828.2); c.2229C>A, p.Asp743Glu (NM_001347830.2); short protein forms D743E, D730E, D755E.
Identifiers: ClinVar variation 665687 (VCV000665687.7), dbSNP rs1577734762, ClinGen allele CA356894263.

ClinVar aggregate classification (germline): Uncertain significance (1 of 4 stars; one submission).

Conditions:
Gastrointestinal stromal tumor. Also called: Gastrointestinal stromal tumor, somatic; Gastrointestinal stroma tumor. Identifiers: Orphanet 44890, MedGen C0238198, MeSH D046152, MONDO:0011719, OMIM 606764, HP:0100723.

Submission:

Labcorp Genetics (formerly Invitae), Labcorp
Classification: Uncertain significance for Gastrointestinal stromal tumor. Last evaluated: 2021-11-15. Review status: criteria provided, single submitter. Criteria: Invitae Variant Classification Sherloc (09022015). Collection method: clinical testing. Allele origin: germline.
Comment: In summary, the available evidence is currently insufficient to determine the role of this variant in disease. Therefore, it has been classified as a Variant of Uncertain Significance. Algorithms developed to predict the effect of missense changes on protein structure and function (SIFT, PolyPhen-2, Align-GVGD) all suggest that this variant is likely to be tolerated. ClinVar contains an entry for this variant (Variation ID: 665687). This variant has not been reported in the literature in individuals affected with PDGFRA-related conditions. This variant is not present in population databases (gnomAD no frequency). This sequence change replaces aspartic acid, which is acidic and polar, with glutamic acid, which is acidic and polar, at codon 730 of the PDGFRA protein (p.Asp730Glu).